The following is an entry in ClinVar:

ClinVar aggregate classification (germline): Pathogenic (1 of 4 stars; one submission).

Conditions:
Irido-corneo-trabecular dysgenesis (ASGD5). Also called: ANTERIOR SEGMENT DYSGENESIS 5. Identifiers: Orphanet 708, MedGen C0344559, MONDO:0011414, OMIM 604229, HP:0000659.
Aniridia 1 (AN1). Identifiers: Orphanet 250923, MedGen C0344542, MONDO:0024507, OMIM 106210.

Submission:

Labcorp Genetics (formerly Invitae), Labcorp
Classification: Pathogenic for Aniridia 1; Irido-corneo-trabecular dysgenesis. Last evaluated: 2019-01-08. Review status: criteria provided, single submitter. Criteria: Invitae Variant Classification Sherloc (09022015). Collection method: clinical testing. Allele origin: germline.
Comment: This variant is a gross deletion of the genomic region encompassing exons 8-13 of the PAX6 gene. The 5' boundary is likely confined to intron 7. The 3' end of this event is unknown as it extends through the termination codon beyond the assayed region for this gene and may encompass additional genes. While this deletion is not anticipated to result in nonsense mediated decay, it is expected to create a truncated protein product or disrupt mRNA translation. Gross deletions of exons 8-13 has been observed in individuals affected with aniridia (PMID: 18483559, Invitae). This deletion has been described in the literature as deletions of exons 9-14 based on alternative exon numbering. For these reasons, this variant has been classified as Pathogenic.

Literature cited by the submitters: PubMed 18483559.

NC_000011.10:g.(?_31664397)_(31794829_?)del

Genes: ELP4-AS1 (ELP4 antisense RNA 1; minus strand), PAX6DRR (PAX6 downstream regulatory region; plus strand), ELP4 (elongator acetyltransferase complex subunit 4; plus strand), PAX6 (paired box 6; minus strand), LOC126861176 (BRD4-independent group 4 enhancer GRCh37_chr11:31800787-31801986; plus strand) and 3 more. Cytogenetic location: 11p13.
Variant type: Deletion.
Identifiers: ClinVar variation 584225 (VCV000584225.2).